The following is an entry in ClinVar:

ClinVar aggregate classification (germline): Likely benign. Review status: criteria provided, single submitter (1 of 4 stars). 2 submissions from 2 submitters: Likely benign (1). 1 of the submissions does not count toward it. Last evaluated 2023-06-14.

Conditions:
Renal carnitine transport defect (CDSP). Also called: CARNITINE DEFICIENCY, SYSTEMIC, DUE TO DEFECT IN RENAL REABSORPTION OF CARNITINE; CARNITINE TRANSPORTER, PLASMA-MEMBRANE, DEFICIENCY OF; CARNITINE UPTAKE DEFECT; Primary carnitine deficiency; Systemic primary carnitine deficiency; Systemic primary carnitine deficiency disease. Identifiers: Orphanet 158, MedGen C0342788, MONDO:0008919, OMIM 212140.
SLC22A5-related disorder. Also called: SLC22A5-related condition.

Submissions (2):

Labcorp Genetics (formerly Invitae), Labcorp
Classification: Likely benign for Renal carnitine transport defect. Last evaluated: 2023-06-14. Review status: criteria provided, single submitter. Criteria: Invitae Variant Classification Sherloc (09022015). Collection method: clinical testing. Allele origin: germline.

PreventionGenetics, part of Exact Sciences
Classification: Likely benign for SLC22A5-related condition. Last evaluated: 2019-08-29. Review status: no assertion criteria provided. Collection method: clinical testing. Allele origin: germline. Not counted in ClinVar's aggregate classification.
Comment: This variant is classified as likely benign based on ACMG/AMP sequence variant interpretation guidelines (Richards et al. 2015 PMID: 25741868, with internal and published modifications).

NM_003060.4(SLC22A5):c.90C>T (p.Ile30=)

Gene: SLC22A5 (solute carrier family 22 member 5; plus strand). Cytogenetic location: 5q31.1.
Variant type: single nucleotide variant.
Coding change: c.90C>T on transcript NM_003060.4 (MANE Select); coding-DNA position 90, C replaced by T.
Protein change: p.Ile30=; no amino-acid change (isoleucine 30 retained).
Molecular consequence: synonymous variant.
Genome position (GRCh38, 1-based): chr5:132,370,062, C>T. VCF-style: chr5-132370062-C-T. GRCh37 (hg19) VCF-style: chr5-131705754-C-T.
Other names: c.90C>T (NM_003060.3); c.90C>T, p.Ile30= (NM_001308122.2).
Identifiers: ClinVar variation 2816401 (VCV002816401.4), dbSNP rs2532088257, ClinGen allele CA446494743.